The following is an entry in ClinVar:

ClinVar aggregate classification (germline): Likely pathogenic (1 of 4 stars; one submission).

Submission:

Centre of Medical Genetics, University Hospital Muenster
Classification: Likely pathogenic. Last evaluated: 2024-08-23. Review status: criteria provided, single submitter. Criteria: ACMG Guidelines, 2015. Collection method: clinical testing. Allele origin: unknown. Affected: yes. Observed: 1 variant allele, 1 homozygote.
Comment: ACMG categories: PVS1_strong,PM2,PM3,PP2

NM_001386135.1(AFF3):c.417del (p.Gln139fs)

Gene: AFF3 (ALF transcription elongation factor 3; minus strand). Cytogenetic location: 2q11.2.
Variant type: Deletion.
Coding change: c.417del on transcript NM_001386135.1 (MANE Select); coding-DNA position 417, one base deleted (G; older notation c.417delG).
Protein change: p.Gln139fs; shifts the reading frame from glutamine 139.
Molecular consequence: frameshift variant.
Genome position (GRCh38, 1-based): chr2:100,007,218, C deleted on the plus strand (G on the coding strand, the reverse complement: AFF3 is on the minus strand). VCF-style (leftmost placement, unchanged base first): chr2-100007217-GC-G. GRCh37 (hg19) VCF-style: chr2-100623679-GC-G.
Other names: c.492del, p.Gln164fs (NM_001025108.2); c.417del, p.Gln139fs (NM_002285.3); short protein forms Q139fs, Q164fs.
Identifiers: ClinVar variation 3383399 (VCV003383399.2).